The following is an entry in ClinVar:

ClinVar aggregate classification (germline): Uncertain significance. Review status: criteria provided, multiple submitters, no conflicts (2 of 4 stars). 3 submissions from 3 submitters: Uncertain significance (3). Last evaluated 2024-11-22.

Conditions:
Hereditary cancer-predisposing syndrome. Also called: Tumor predisposition; Neoplastic Syndromes, Hereditary; Hereditary neoplastic syndrome; Hereditary Cancer Syndrome. Identifiers: Orphanet 140162, MedGen C0027672, MeSH D009386, MONDO:0015356.
Haddad syndrome (OHD). Also called: Ondine-Hirschsprung disease. Identifiers: Orphanet 99803, MedGen C1859049, MONDO:0020493.

Submissions (3):

GeneDx
Classification: Uncertain significance. Last evaluated: 2024-11-22. Review status: criteria provided, single submitter. Criteria: GeneDx Variant Classification Process June 2021. Collection method: clinical testing. Allele origin: germline. Affected: yes.
Comment: Not observed at significant frequency in large population cohorts (gnomAD); In silico analysis indicates that this missense variant does not alter protein structure/function; Has not been previously published as pathogenic or benign to our knowledge

Ambry Genetics
Classification: Uncertain significance for Hereditary cancer-predisposing syndrome. Last evaluated: 2024-05-04. Review status: criteria provided, single submitter. Criteria: Ambry Variant Classification Scheme 2023. Collection method: clinical testing. Allele origin: germline.
Comment: The p.G237D variant (also known as c.710G>A), located in coding exon 3 of the PHOX2B gene, results from a G to A substitution at nucleotide position 710. The glycine at codon 237 is replaced by aspartic acid, an amino acid with similar properties. This amino acid position is conserved. In addition, the in silico prediction for this alteration is inconclusive. Based on the available evidence, the clinical significance of this variant remains unclear.

Labcorp Genetics (formerly Invitae), Labcorp
Classification: Uncertain significance for Haddad syndrome. Last evaluated: 2022-06-10. Review status: criteria provided, single submitter. Criteria: Invitae Variant Classification Sherloc (09022015). Collection method: clinical testing. Allele origin: germline.
Comment: In summary, the available evidence is currently insufficient to determine the role of this variant in disease. Therefore, it has been classified as a Variant of Uncertain Significance. Algorithms developed to predict the effect of missense changes on protein structure and function are either unavailable or do not agree on the potential impact of this missense change (SIFT: "Deleterious"; PolyPhen-2: "Not Available"; Align-GVGD: "Class C0"). ClinVar contains an entry for this variant (Variation ID: 1019404). This variant has not been reported in the literature in individuals affected with PHOX2B-related conditions. This variant is not present in population databases (gnomAD no frequency). This sequence change replaces glycine, which is neutral and non-polar, with aspartic acid, which is acidic and polar, at codon 237 of the PHOX2B protein (p.Gly237Asp).

NM_003924.4(PHOX2B):c.710G>A (p.Gly237Asp)

Gene: PHOX2B (paired like homeobox 2B; minus strand). Cytogenetic location: 4p13.
Variant type: single nucleotide variant.
Coding change: c.710G>A on transcript NM_003924.4 (MANE Select); coding-DNA position 710, G replaced by A.
Protein change: p.Gly237Asp; replaces glycine 237 with aspartic acid.
Molecular consequence: missense variant.
Genome position (GRCh38, 1-based): chr4:41,746,042, C>T on the plus strand (G>A on the coding strand, the complement: PHOX2B is on the minus strand). VCF-style: chr4-41746042-C-T. GRCh37 (hg19) VCF-style: chr4-41748059-C-T.
Other names: c.710G>A (NM_003924.3); short protein forms G237D.
Identifiers: ClinVar variation 1019404 (VCV001019404.10), dbSNP rs1468135641, ClinGen allele CA356737311.